The following is an entry in ClinVar:

NM_213599.3(ANO5):c.1120-24A>T

Gene: ANO5 (anoctamin 5; plus strand). Cytogenetic location: 11p14.3.
Variant type: single nucleotide variant.
Coding change: c.1120-24A>T on transcript NM_213599.3 (MANE Select); 24 bases into the intron before coding-DNA position 1120, A replaced by T.
Molecular consequence: intron variant.
Genome position (GRCh38, 1-based): chr11:22,250,927, A>T. VCF-style: chr11-22250927-A-T. GRCh37 (hg19) VCF-style: chr11-22272473-A-T.
Other names: c.1117-24A>T (NM_001142649.2).
Identifiers: ClinVar variation 263308 (VCV000263308.3), dbSNP rs11026476, ClinGen allele CA5923145.

ClinVar aggregate classification (germline): Benign/Likely benign. Review status: criteria provided, multiple submitters, no conflicts (2 of 4 stars). 5 submissions from 3 submitters: Benign (4); Likely benign (1). Last evaluated 2021-12-05.

Conditions:
Miyoshi muscular dystrophy 3 (MMD3). Also called: Miyoshi myopathy 3; Miyoshi Muscular Dystrophy 3 (MMD3). Identifiers: Orphanet 399096, MedGen C2750076, MONDO:0013222, OMIM 613319.
Autosomal recessive limb-girdle muscular dystrophy type 2L (LGMDR12). Also called: Limb-girdle muscular dystrophy, type 2L; Limb-Girdle Muscular Dystrophy R12 Anoctamin-5-Related (LGMD-R12); MUSCULAR DYSTROPHY, LIMB-GIRDLE, AUTOSOMAL RECESSIVE 12. Identifiers: Orphanet 206549, MedGen C1969785, MONDO:0012652, OMIM 611307.
Gnathodiaphyseal dysplasia (GDD). Also called: GNATHODIAPHYSEAL SCLEROSIS; OSTEOGENESIS IMPERFECTA WITH UNUSUAL SKELETAL LESIONS. Identifiers: Orphanet 53697, MedGen C1833736, MONDO:0008151, OMIM 166260.

Allele frequency attached by ClinVar (database versions not stated): 1000 Genomes Project 0.00799; 1000 Genomes Project 30x 0.00921; gnomAD exomes 0.01903; TOPMed 0.01949; ExAC 0.02023; gnomAD 0.02048 and 0.02147; ESP Exome Variant Server 0.02222.
gnomAD v4.1: 47,823 of 1,609,586 alleles (3%); highest among the groups gnomAD compares: Non-Finnish European, 3.7%; 886 homozygotes.

Submissions (5):

Genome-Nilou Lab
Classification: Benign for Gnathodiaphyseal dysplasia. Last evaluated: 2021-12-05. Review status: criteria provided, single submitter. Criteria: ACMG Guidelines, 2015. Collection method: clinical testing. Allele origin: germline. Affected: no.

Genome-Nilou Lab
Classification: Benign for Miyoshi muscular dystrophy 3. Last evaluated: 2021-12-05. Review status: criteria provided, single submitter. Criteria: ACMG Guidelines, 2015. Collection method: clinical testing. Allele origin: germline. Affected: no.

Genome-Nilou Lab
Classification: Benign for Autosomal recessive limb-girdle muscular dystrophy type 2L. Last evaluated: 2021-12-05. Review status: criteria provided, single submitter. Criteria: ACMG Guidelines, 2015. Collection method: clinical testing. Allele origin: germline. Affected: no.

GeneDx
Classification: Likely benign. Last evaluated: 2018-06-16. Review status: criteria provided, single submitter. Criteria: GeneDx Variant Classification (06012015). Collection method: clinical testing. Allele origin: germline. Affected: yes.
Comment: This variant is considered likely benign or benign based on one or more of the following criteria: it is a conservative change, it occurs at a poorly conserved position in the protein, it is predicted to be benign by multiple in silico algorithms, and/or has population frequency not consistent with disease.

PreventionGenetics, part of Exact Sciences
Classification: Benign. Review status: criteria provided, single submitter. Criteria: ACMG Guidelines, 2015. Collection method: clinical testing. Allele origin: germline.